The following is an entry in ClinVar:

ClinVar aggregate classification (germline): Uncertain significance. Review status: criteria provided, multiple submitters, no conflicts (2 of 4 stars). 2 submissions from 2 submitters: Uncertain significance (2). Last evaluated 2024-08-08.

Conditions:
Autosomal dominant epilepsy with auditory features. Identifiers: Orphanet 101046, MedGen C1838062, MONDO:0010898.
Epilepsy, familial temporal lobe, 1. Identifiers: Orphanet 101046, MedGen CN030884, MONDO:0700090, OMIM 600512.

Submissions (2):

Institute of Human Genetics, University of Leipzig Medical Center
Classification: Uncertain significance for Epilepsy, familial temporal lobe, 1. Last evaluated: 2024-08-08. Review status: criteria provided, single submitter. Criteria: ACMG Guidelines, 2015. Collection method: clinical testing. Allele origin: maternal. Inheritance: Autosomal dominant inheritance. Affected: yes.
Comment: Criteria applied: PM2,PP3

Labcorp Genetics (formerly Invitae), Labcorp
Classification: Uncertain significance for Autosomal dominant epilepsy with auditory features. Last evaluated: 2024-04-02. Review status: criteria provided, single submitter. Criteria: Invitae Variant Classification Sherloc (09022015). Collection method: clinical testing. Allele origin: germline.
Comment: This sequence change replaces phenylalanine, which is neutral and non-polar, with tyrosine, which is neutral and polar, at codon 511 of the LGI1 protein (p.Phe511Tyr). This variant is not present in population databases (gnomAD no frequency). This variant has not been reported in the literature in individuals affected with LGI1-related conditions. Advanced modeling of protein sequence and biophysical properties (such as structural, functional, and spatial information, amino acid conservation, physicochemical variation, residue mobility, and thermodynamic stability) performed at Invitae indicates that this missense variant is not expected to disrupt LGI1 protein function with a negative predictive value of 80%. In summary, the available evidence is currently insufficient to determine the role of this variant in disease. Therefore, it has been classified as a Variant of Uncertain Significance.

NM_005097.4(LGI1):c.1532T>A (p.Phe511Tyr)

Gene: LGI1 (leucine rich glioma inactivated 1; plus strand). Cytogenetic location: 10q23.33.
Variant type: single nucleotide variant.
Coding change: c.1532T>A on transcript NM_005097.4 (MANE Select); coding-DNA position 1532, T replaced by A.
Protein change: p.Phe511Tyr; replaces phenylalanine 511 with tyrosine.
Molecular consequence: missense variant. On other transcripts: non-coding transcript variant (1), intron variant (1).
Genome position (GRCh38, 1-based): chr10:93,797,661, T>A. VCF-style: chr10-93797661-T-A. GRCh37 (hg19) VCF-style: chr10-95557418-T-A.
Other names: c.1388T>A, p.Phe463Tyr (NM_001308276.2); c.839-88T>A (NM_001308275.2); short protein forms F463Y, F511Y.
Identifiers: ClinVar variation 3359042 (VCV003359042.4).